The following is an entry in ClinVar:

ClinVar aggregate classification (germline): Uncertain significance. Review status: criteria provided, multiple submitters, no conflicts (2 of 4 stars). 5 submissions from 5 submitters: Uncertain significance (5). Last evaluated 2024-05-09.

Conditions:
Hereditary cancer-predisposing syndrome. Also called: Neoplastic Syndromes, Hereditary; Hereditary neoplastic syndrome; Tumor predisposition; Hereditary Cancer Syndrome. Identifiers: Orphanet 140162, MedGen C0027672, MeSH D009386, MONDO:0015356.
Tuberous sclerosis syndrome (TSC). Also called: Tuberous Sclerosis Complex; Tuberous sclerosis. Identifiers: Orphanet 805, MedGen C0041341, MONDO:0001734.
Tuberous sclerosis 2 (TSC2). Identifiers: Orphanet 805, MedGen C1860707, MONDO:0013199, OMIM 613254.

Allele frequency attached by ClinVar (database versions not stated): gnomAD exomes below 0.00001.
gnomAD v4.1: 2 of 1,613,198 alleles (0.00012%); highest among the groups gnomAD compares: Non-Finnish European, 0.000085%; no homozygotes.

Submissions (5):

Ambry Genetics
Classification: Uncertain significance for Hereditary cancer-predisposing syndrome. Last evaluated: 2024-05-09. Review status: criteria provided, single submitter. Criteria: Ambry Variant Classification Scheme 2023. Collection method: clinical testing. Allele origin: germline.
Comment: The p.P605L variant (also known as c.1814C>T), located in coding exon 16 of the TSC2 gene, results from a C to T substitution at nucleotide position 1814. The proline at codon 605 is replaced by leucine, an amino acid with similar properties. This amino acid position is not well conserved in available vertebrate species. In addition, the in silico prediction for this alteration is inconclusive. Since supporting evidence is limited at this time, the clinical significance of this alteration remains unclear.

All of Us Research Program, National Institutes of Health
Classification: Uncertain significance for Tuberous sclerosis syndrome. Last evaluated: 2023-07-19. Review status: criteria provided, single submitter. Criteria: ACMG Guidelines, 2015. Collection method: clinical testing. Allele origin: germline. Inheritance: Autosomal dominant inheritance. Observed: 1 variant allele, 1 heterozygote.
Comment: This missense variant replaces proline with leucine at codon 605 of the TSC2 protein. Computational prediction is inconclusive regarding the impact of this variant on protein structure and function (internally defined REVEL score threshold 0.5 < inconclusive < 0.7, PMID: 27666373). To our knowledge, functional studies have not been reported for this variant. This variant has not been reported in individuals affected with TSC2-related disorders in the literature. This variant has not been identified in the general population by the Genome Aggregation Database (gnomAD). The available evidence is insufficient to determine the role of this variant in disease conclusively. Therefore, this variant is classified as a Variant of Uncertain Significance.

This study involves interpretation of variants in research participants for the purpose of population health screening. Participant phenotype was not available at the time of variant classification. Additional details can be found in publication PMID: 35346344, PMCID: PMC8962531

Color Diagnostics, LLC DBA Color Health
Classification: Uncertain significance for Tuberous sclerosis syndrome. Last evaluated: 2023-05-17. Review status: criteria provided, single submitter. Criteria: ACMG Guidelines, 2015. Collection method: clinical testing. Allele origin: germline.
Comment: This missense variant replaces proline with leucine at codon 605 of the TSC2 protein. Computational prediction is inconclusive regarding the impact of this variant on protein structure and function (internally defined REVEL score threshold 0.5 < inconclusive < 0.7, PMID: 27666373). To our knowledge, functional studies have not been reported for this variant. This variant has not been reported in individuals affected with TSC2-related disorders in the literature. This variant has not been identified in the general population by the Genome Aggregation Database (gnomAD). The available evidence is insufficient to determine the role of this variant in disease conclusively. Therefore, this variant is classified as a Variant of Uncertain Significance.

Labcorp Genetics (formerly Invitae), Labcorp
Classification: Uncertain significance for Tuberous sclerosis 2. Last evaluated: 2022-11-23. Review status: criteria provided, single submitter. Criteria: Invitae Variant Classification Sherloc (09022015). Collection method: clinical testing. Allele origin: germline.
Comment: This sequence change replaces proline, which is neutral and non-polar, with leucine, which is neutral and non-polar, at codon 605 of the TSC2 protein (p.Pro605Leu). This variant is not present in population databases (gnomAD no frequency). This variant has not been reported in the literature in individuals affected with TSC2-related conditions. ClinVar contains an entry for this variant (Variation ID: 535880). Advanced modeling of protein sequence and biophysical properties (such as structural, functional, and spatial information, amino acid conservation, physicochemical variation, residue mobility, and thermodynamic stability) performed at Invitae indicates that this missense variant is not expected to disrupt TSC2 protein function. In summary, the available evidence is currently insufficient to determine the role of this variant in disease. Therefore, it has been classified as a Variant of Uncertain Significance.

Genome-Nilou Lab
Classification: Uncertain significance for Tuberous sclerosis 2. Last evaluated: 2021-11-07. Review status: criteria provided, single submitter. Criteria: ACMG Guidelines, 2015. Collection method: clinical testing. Allele origin: germline. Affected: no.

NM_000548.5(TSC2):c.1814C>T (p.Pro605Leu)

Gene: TSC2 (TSC complex subunit 2; plus strand). Cytogenetic location: 16p13.3.
Variant type: single nucleotide variant.
Coding change: c.1814C>T on transcript NM_000548.5 (MANE Select); coding-DNA position 1814, C replaced by T.
Protein change: p.Pro605Leu; replaces proline 605 with leucine.
Molecular consequence: missense variant.
Genome position (GRCh38, 1-based): chr16:2,070,553, C>T. VCF-style: chr16-2070553-C-T. GRCh37 (hg19) VCF-style: chr16-2120554-C-T.
Other names: c.1814C>T, p.Pro605Leu (NM_001077183.3, NM_001114382.3, NM_001363528.2 and 3 more transcripts); c.1703C>T, p.Pro568Leu (NM_001318827.2); c.1667C>T, p.Pro556Leu (NM_001318829.2); c.1214C>T, p.Pro405Leu (NM_001318831.2); c.1847C>T, p.Pro616Leu (NM_001318832.2); short protein forms P605L, P405L, P616L, P556L, P568L.
Identifiers: ClinVar variation 535880 (VCV000535880.18), dbSNP rs1555505178, ClinGen allele CA394272977.